The following is an entry in ClinVar:

NM_144997.7(FLCN):c.344C>G (p.Pro115Arg)

Gene: FLCN (folliculin; minus strand). Cytogenetic location: 17p11.2.
Variant type: single nucleotide variant.
Coding change: c.344C>G on transcript NM_144997.7 (MANE Select); coding-DNA position 344, C replaced by G.
Protein change: p.Pro115Arg; replaces proline 115 with arginine.
Molecular consequence: missense variant.
Genome position (GRCh38, 1-based): chr17:17,226,228, G>C on the plus strand (C>G on the coding strand, the complement: FLCN is on the minus strand). VCF-style: chr17-17226228-G-C. GRCh37 (hg19) VCF-style: chr17-17129542-G-C.
Other names: c.344C>G, p.Pro115Arg (NM_001353229.2, NM_001353230.2, NM_001353231.2 and 1 more transcripts); short protein forms P115R.
Identifiers: ClinVar variation 2741874 (VCV002741874.3), dbSNP rs2544280905, ClinGen allele CA398534787.

ClinVar aggregate classification (germline): Uncertain significance (1 of 4 stars; one submission).

Conditions:
Birt-Hogg-Dube syndrome. Also called: Birt Hogg Dubé syndrome. Identifiers: Orphanet 122, MedGen C0346010, MONDO:0800444.

Submission:

Labcorp Genetics (formerly Invitae), Labcorp
Classification: Uncertain significance for Birt-Hogg-Dube syndrome. Last evaluated: 2023-07-12. Review status: criteria provided, single submitter. Criteria: Invitae Variant Classification Sherloc (09022015). Collection method: clinical testing. Allele origin: germline.
Comment: In summary, the available evidence is currently insufficient to determine the role of this variant in disease. Therefore, it has been classified as a Variant of Uncertain Significance. Advanced modeling of protein sequence and biophysical properties (such as structural, functional, and spatial information, amino acid conservation, physicochemical variation, residue mobility, and thermodynamic stability) performed at Invitae indicates that this missense variant is not expected to disrupt FLCN protein function. This variant has not been reported in the literature in individuals affected with FLCN-related conditions. This variant is not present in population databases (gnomAD no frequency). This sequence change replaces proline, which is neutral and non-polar, with arginine, which is basic and polar, at codon 115 of the FLCN protein (p.Pro115Arg).